The following is an entry in ClinVar:

NM_015158.5(KANK1):c.983A>G (p.Asn328Ser)

Gene: KANK1 (KN motif and ankyrin repeat domains 1; plus strand). Cytogenetic location: 9p24.3.
Variant type: single nucleotide variant.
Coding change: c.983A>G on transcript NM_015158.5 (MANE Select); coding-DNA position 983, A replaced by G.
Protein change: p.Asn328Ser; replaces asparagine 328 with serine.
Molecular consequence: missense variant. On other transcripts: non-coding transcript variant (1).
Genome position (GRCh38, 1-based): chr9:711,749, A>G. VCF-style: chr9-711749-A-G. GRCh37 (hg19) VCF-style: chr9-711749-A-G.
Other names: c.983A>G (NM_015158.2); c.983A>G, p.Asn328Ser (NM_001256876.3, NM_001256877.3, NM_001354331.2 and 2 more transcripts); c.509A>G, p.Asn170Ser (NM_001354333.2, NM_001354335.2, NM_001354336.2 and 9 more transcripts); short protein forms N170S, N328S.
Identifiers: ClinVar variation 2049425 (VCV002049425.6), dbSNP rs778874813, ClinGen allele CA4960089.

ClinVar aggregate classification (germline): Conflicting classifications of pathogenicity. Review status: criteria provided, conflicting classifications (1 of 4 stars). 3 submissions from 3 submitters: Uncertain significance (2); Likely benign (1). Last evaluated 2025-11-17.

Allele frequency attached by ClinVar (database versions not stated): gnomAD 0.00001; ExAC 0.00002; gnomAD exomes 0.00003; TOPMed 0.00006.
gnomAD v4.1: 42 of 1,614,068 alleles (0.0026%); highest among the groups gnomAD compares: Admixed American, 0.0083%; no homozygotes.

Submissions (3):

Labcorp Genetics (formerly Invitae), Labcorp
Classification: Uncertain significance. Last evaluated: 2025-11-17. Review status: criteria provided, single submitter. Criteria: Invitae Variant Classification Sherloc (09022015). Collection method: clinical testing. Allele origin: germline.
Comment: This sequence change replaces asparagine, which is neutral and polar, with serine, which is neutral and polar, at codon 328 of the KANK1 protein (p.Asn328Ser). This variant is present in population databases (rs778874813, gnomAD 0.009%). This variant has not been reported in the literature in individuals affected with KANK1-related conditions. ClinVar contains an entry for this variant (Variation ID: 2049425). Invitae Evidence Modeling of protein sequence and biophysical properties (such as structural, functional, and spatial information, amino acid conservation, physicochemical variation, residue mobility, and thermodynamic stability) indicates that this missense variant is not expected to disrupt KANK1 protein function with a negative predictive value of 80%. In summary, the available evidence is currently insufficient to determine the role of this variant in disease. Therefore, it has been classified as a Variant of Uncertain Significance.

Ambry Genetics
Classification: Likely benign. Last evaluated: 2025-10-29. Review status: criteria provided, single submitter. Criteria: Ambry Variant Classification Scheme 2023. Collection method: clinical testing. Allele origin: germline.

Breakthrough Genomics
Classification: Uncertain significance. Review status: criteria provided, single submitter. Criteria: ACMG Guidelines, 2015. Collection method: not provided. Allele origin: germline. Inheritance: Autosomal recessive inheritance. Affected: yes.